The following is an entry in ClinVar:

ClinVar aggregate classification (germline): Uncertain significance (1 of 4 stars; one submission).

Allele frequency attached by ClinVar (database versions not stated): gnomAD exomes 0.00001 and 0.00003; TOPMed 0.00001; ExAC 0.00003.
gnomAD v4.1: 17 of 1,613,536 alleles (0.0011%); highest among the groups gnomAD compares: South Asian, 0.0066%; no homozygotes.

Submission:

Labcorp Genetics (formerly Invitae), Labcorp
Classification: Uncertain significance. Last evaluated: 2024-10-22. Review status: criteria provided, single submitter. Criteria: Invitae Variant Classification Sherloc (09022015). Collection method: clinical testing. Allele origin: germline.
Comment: This sequence change replaces arginine, which is basic and polar, with glutamine, which is neutral and polar, at codon 558 of the MERTK protein (p.Arg558Gln). This variant is present in population databases (rs759976333, gnomAD 0.01%). This variant has not been reported in the literature in individuals affected with MERTK-related conditions. ClinVar contains an entry for this variant (Variation ID: 935071). Invitae Evidence Modeling of protein sequence and biophysical properties (such as structural, functional, and spatial information, amino acid conservation, physicochemical variation, residue mobility, and thermodynamic stability) indicates that this missense variant is not expected to disrupt MERTK protein function with a negative predictive value of 80%. In summary, the available evidence is currently insufficient to determine the role of this variant in disease. Therefore, it has been classified as a Variant of Uncertain Significance.

NM_006343.3(MERTK):c.1673G>A (p.Arg558Gln)

Gene: MERTK (MER proto-oncogene, tyrosine kinase; plus strand). Cytogenetic location: 2q13.
Variant type: single nucleotide variant.
Coding change: c.1673G>A on transcript NM_006343.3 (MANE Select); coding-DNA position 1673, G replaced by A.
Protein change: p.Arg558Gln; replaces arginine 558 with glutamine.
Molecular consequence: missense variant.
Genome position (GRCh38, 1-based): chr2:112,001,269, G>A. VCF-style: chr2-112001269-G-A. GRCh37 (hg19) VCF-style: chr2-112758846-G-A.
Other names: short protein forms R558Q.
Identifiers: ClinVar variation 935071 (VCV000935071.9), dbSNP rs759976333, ClinGen allele CA1831500.
Genomic context (GRCh38, chr2:112,001,269, plus strand): 5'-TCACAGAGGAGGATTCTGAATTAGTGGTGAATTATATAGCAAAGAAATCCTTCTGTCGGC[G>A]AGCCATTGAACTTACCTGTAAGTTGACTTTCATTTCCCTTTTTGGCAAAAGTTAAAATAG-3'
Protein context (NP_006334.2, residues 548-568): NYIAKKSFCR[Arg558Gln]AIELTLHSLG